The following is an entry in ClinVar:

ClinVar aggregate classification (germline): Uncertain significance. Review status: criteria provided, multiple submitters, no conflicts (2 of 4 stars). 2 submissions from 2 submitters: Uncertain significance (2). Last evaluated 2025-11-24.

Conditions:
Inborn genetic diseases. Identifiers: MedGen C0950123, MeSH D030342.

Allele frequency attached by ClinVar (database versions not stated): TOPMed 0.00002; gnomAD exomes 0.00010; 1000 Genomes Project 0.00020; ExAC 0.00030; 1000 Genomes Project 30x 0.00031.
gnomAD v4.1: 151 of 1,599,346 alleles (0.0094%); highest among the groups gnomAD compares: South Asian, 0.16%; 2 homozygotes.

Submissions (2):

Labcorp Genetics (formerly Invitae), Labcorp
Classification: Uncertain significance. Last evaluated: 2025-11-24. Review status: criteria provided, single submitter. Criteria: Invitae Variant Classification Sherloc (09022015). Collection method: clinical testing. Allele origin: germline.
Comment: This sequence change replaces glycine, which is neutral and non-polar, with glutamic acid, which is acidic and polar, at codon 298 of the TCF3 protein (p.Gly298Glu). This variant is present in population databases (rs569364228, gnomAD 0.1%). This variant has not been reported in the literature in individuals affected with TCF3-related conditions. ClinVar contains an entry for this variant (Variation ID: 2165627). Experimental studies and prediction algorithms are not available or were not evaluated, and the functional significance of this variant is currently unknown. In summary, the available evidence is currently insufficient to determine the role of this variant in disease. Therefore, it has been classified as a Variant of Uncertain Significance.

Ambry Genetics
Classification: Uncertain significance for Inborn genetic diseases. Last evaluated: 2025-08-31. Review status: criteria provided, single submitter. Criteria: Ambry Variant Classification Scheme 2023. Collection method: clinical testing. Allele origin: germline.

NM_003200.5(TCF3):c.893G>A (p.Gly298Glu)

Gene: TCF3 (transcription factor 3; minus strand). Cytogenetic location: 19p13.3.
Variant type: single nucleotide variant.
Coding change: c.893G>A on transcript NM_003200.5 (MANE Select); coding-DNA position 893, G replaced by A.
Protein change: p.Gly298Glu; replaces glycine 298 with glutamic acid.
Molecular consequence: missense variant.
Genome position (GRCh38, 1-based): chr19:1,621,900, C>T on the plus strand (G>A on the coding strand, the complement: TCF3 is on the minus strand). VCF-style: chr19-1621900-C-T. GRCh37 (hg19) VCF-style: chr19-1621899-C-T.
Other names: c.893G>A, p.Gly298Glu (NM_001136139.4, NM_001351778.2, NM_001351779.2); c.893G>A (NM_003200.3); short protein forms G298E.
Identifiers: ClinVar variation 2165627 (VCV002165627.5), dbSNP rs569364228, ClinGen allele CA9050179.